The following is an entry in ClinVar:

NM_206933.4(USH2A):c.5399G>T (p.Trp1800Leu)

Genes: USH2A (usherin; minus strand), USH2A-AS2 (USH2A antisense RNA 2; plus strand). Cytogenetic location: 1q41.
Variant type: single nucleotide variant.
Coding change: c.5399G>T on transcript NM_206933.4 (MANE Select); coding-DNA position 5399, G replaced by T.
Protein change: p.Trp1800Leu; replaces tryptophan 1800 with leucine.
Molecular consequence: missense variant.
Genome position (GRCh38, 1-based): chr1:216,078,262, C>A on the plus strand (G>T on the coding strand, the complement: USH2A is on the minus strand). VCF-style: chr1-216078262-C-A. GRCh37 (hg19) VCF-style: chr1-216251604-C-A.
Other names: short protein forms W1800L.
Identifiers: ClinVar variation 2831172 (VCV002831172.3), dbSNP rs1553299079, ClinGen allele CA344856310.

ClinVar aggregate classification (germline): Likely pathogenic (1 of 4 stars; one submission).

Submission:

Labcorp Genetics (formerly Invitae), Labcorp
Classification: Likely pathogenic. Last evaluated: 2023-01-22. Review status: criteria provided, single submitter. Criteria: Invitae Variant Classification Sherloc (09022015). Collection method: clinical testing. Allele origin: germline.
Comment: This variant disrupts the p.Trp1800 amino acid residue in USH2A. Other variant(s) that disrupt this residue have been determined to be pathogenic (PMID: 29625443, 30948794; Invitae). This suggests that this residue is clinically significant, and that variants that disrupt this residue are likely to be disease-causing. Advanced modeling of protein sequence and biophysical properties (such as structural, functional, and spatial information, amino acid conservation, physicochemical variation, residue mobility, and thermodynamic stability) performed at Invitae indicates that this missense variant is expected to disrupt USH2A protein function. This variant has not been reported in the literature in individuals affected with USH2A-related conditions. This variant is not present in population databases (gnomAD no frequency). This sequence change replaces tryptophan, which is neutral and slightly polar, with leucine, which is neutral and non-polar, at codon 1800 of the USH2A protein (p.Trp1800Leu). In summary, the currently available evidence indicates that the variant is pathogenic, but additional data are needed to prove that conclusively. Therefore, this variant has been classified as Likely Pathogenic.

Literature cited by the submitters: PubMed 29625443; PubMed 30948794.